The following is an entry in ClinVar:

NM_001005242.3(PKP2):c.1622_1625dup (p.Val543fs)

Gene: PKP2 (plakophilin 2; minus strand). Cytogenetic location: 12p11.21.
Variant type: Duplication.
Coding change: c.1622_1625dup on transcript NM_001005242.3 (MANE Select); coding-DNA positions 1622 to 1625, 4 bases duplicated (CACT; older notation c.1622_1625dupCACT).
Protein change: p.Val543fs; shifts the reading frame from valine 543.
Molecular consequence: frameshift variant.
Genome position (GRCh38, 1-based): chr12:32,824,094-32,824,097, AGTG duplicated on the plus strand (CACT on the coding strand, the reverse complement: PKP2 is on the minus strand); duplicating any 4 consecutive bases within chr12:32,824,094-32,824,100 gives the same sequence; the c. name uses the placement nearest the transcript's 3' end. VCF-style (leftmost placement, unchanged base first): chr12-32824093-C-CAGTG. GRCh37 (hg19) VCF-style: chr12-32977027-C-CAGTG.
Other names: c.1622_1625dup, p.Val543fs (NM_001407155.1, NM_001407156.1, NM_001407161.1); c.1754_1757dup, p.Val587fs (NM_001407157.1, NM_004572.4); c.1295_1298dup, p.Val434fs (NM_001407158.1, NM_001407159.1, NM_001407160.1 and 1 more transcripts); short protein forms V434fs, V543fs, V587fs.
Identifiers: ClinVar variation 4731085 (VCV004731085.1).

ClinVar aggregate classification (germline): Pathogenic (1 of 4 stars; one submission).

Conditions:
Arrhythmogenic right ventricular dysplasia 9 (ARVD9). Also called: Arrhythmogenic Right Ventricular Dysplasia/Cardiomyopathy 9; ARRHYTHMOGENIC RIGHT VENTRICULAR DYSPLASIA, FAMILIAL, 9. Identifiers: MedGen C1836906, MONDO:0012180, OMIM 609040.

Submission:

Labcorp Genetics (formerly Invitae), Labcorp
Classification: Pathogenic for Arrhythmogenic right ventricular dysplasia 9. Last evaluated: 2025-11-13. Review status: criteria provided, single submitter. Criteria: Invitae Variant Classification Sherloc (09022015). Collection method: clinical testing. Allele origin: germline.
Comment: This sequence change creates a premature translational stop signal (p.Val587Thrfs*16) in the PKP2 gene. It is expected to result in an absent or disrupted protein product. Loss-of-function variants in PKP2 are known to be pathogenic (PMID: 15489853, 17041889, 23911551). This variant is not present in population databases (gnomAD no frequency). This variant has not been reported in the literature in individuals affected with PKP2-related conditions. For these reasons, this variant has been classified as Pathogenic.

Literature cited by the submitters: PubMed 15489853; PubMed 17041889; PubMed 23911551.